The following is an entry in ClinVar:

NM_001145026.2(PTPRQ):c.2211C>A (p.Tyr737Ter)

Gene: PTPRQ (protein tyrosine phosphatase receptor type Q; plus strand). Cytogenetic location: 12q21.31.
Variant type: single nucleotide variant.
Coding change: c.2211C>A on transcript NM_001145026.2 (MANE Select); coding-DNA position 2211, C replaced by A.
Protein change: p.Tyr737Ter; replaces tyrosine 737 with a stop codon.
Molecular consequence: nonsense.
Genome position (GRCh38, 1-based): chr12:80,496,470, C>A. VCF-style: chr12-80496470-C-A. GRCh37 (hg19) VCF-style: chr12-80890249-C-A.
Other names: short protein forms Y737*.
Identifiers: ClinVar variation 3764178 (VCV003764178.1).

ClinVar aggregate classification (germline): Likely pathogenic (1 of 4 stars; one submission).

gnomAD v4.1: 5 of 1,550,428 alleles (0.00032%); highest among the groups gnomAD compares: Admixed American, 0.0079%; no homozygotes.

Submission:

GeneDx
Classification: Likely pathogenic. Last evaluated: 2024-08-16. Review status: criteria provided, single submitter. Criteria: GeneDx Variant Classification Process June 2021. Collection method: clinical testing. Allele origin: germline. Affected: yes.
Comment: Nonsense variant predicted to result in protein truncation or nonsense mediated decay in a gene for which loss of function is a known mechanism of disease; Not observed in large population cohorts (gnomAD); Has not been previously published as pathogenic or benign to our knowledge